The following is an entry in ClinVar:

ClinVar aggregate classification (germline): Uncertain significance (1 of 4 stars; one submission).

Conditions:
Birt-Hogg-Dube syndrome. Also called: Birt Hogg Dubé syndrome. Identifiers: Orphanet 122, MedGen C0346010, MONDO:0800444.

Submission:

Labcorp Genetics (formerly Invitae), Labcorp
Classification: Uncertain significance for Birt-Hogg-Dube syndrome. Last evaluated: 2021-10-24. Review status: criteria provided, single submitter. Criteria: Invitae Variant Classification Sherloc (09022015). Collection method: clinical testing. Allele origin: germline.
Comment: This variant results in a copy number gain of the genomic region encompassing exon(s) 2-11 of the FLCN gene. This region includes the initiator codon of the gene. This copy number gain extends beyond the assayed region for this gene and therefore may encompass additional genes. As the precise location of this event is unknown, it may be in tandem or it may be located elsewhere in the genome. This variant has not been reported in the literature in individuals affected with FLCN-related conditions. Experimental studies and prediction algorithms are not available or were not evaluated, and the functional significance of this variant is currently unknown. In summary, the available evidence is currently insufficient to determine the role of this variant in disease. Therefore, it has been classified as a Variant of Uncertain Significance.

NC_000017.10:g.(?_17119684)_(17136215_?)dup

Gene: FLCN (folliculin; minus strand). Cytogenetic location: 17p11.2.
Variant type: Duplication.
Identifiers: ClinVar variation 1451025 (VCV001451025.5).